The following is an entry in ClinVar:

ClinVar aggregate classification (germline): Benign/Likely benign. Review status: criteria provided, multiple submitters, no conflicts (2 of 4 stars). 4 submissions from 4 submitters: Benign (1); Likely benign (3). Last evaluated 2026-05-28.

Allele frequency attached by ClinVar (database versions not stated): ExAC 0.00012; TOPMed 0.00033; gnomAD exomes 0.00010; gnomAD 0.00036 and 0.00033; ESP Exome Variant Server 0.00062; 1000 Genomes Project 0.00040; 1000 Genomes Project 30x 0.00047.
gnomAD v4.1: 94 of 1,613,152 alleles (0.0058%); highest among the groups gnomAD compares: African/African-American, 0.12%; no homozygotes.

Submissions (4):

Women's Health and Genetics/Laboratory Corporation of America, LabCorp
Classification: Likely benign. Last evaluated: 2026-05-28. Review status: criteria provided, single submitter. Criteria: LabCorp Variant Classification Summary - May 2015. Collection method: clinical testing. Allele origin: germline.
Comment: Variant summary: NOTCH3 c.536G>T (p.Gly179Val) results in a non-conservative amino acid change located in the 4th EGF-like domain (UniProt) of the encoded protein sequence. Algorithms developed to predict the effect of missense changes on protein structure and function all suggest that this variant is likely to be disruptive. The variant allele was found at a frequency of 0.0001 in 249296 control chromosomes, predominantly at a frequency of 0.0014 within the African or African-American subpopulation in the gnomAD database. The observed variant frequency within African or African-American control individuals in the gnomAD database exceeds the estimated maximal expected allele frequency for disease-causing variants in NOTCH3. To our knowledge, no occurrence of c.536G>T in individuals affected with NOTCH3-related conditions has been reported. At least one publication reported experimental evidence evaluating an impact on protein function, and demonstrated no damaging effect of this variant (Wollenweber_2015). The following publication have been ascertained in the context of this evaluation (PMID: 25604251). ClinVar contains an entry for this variant (Variation ID: 1256527). Based on the evidence outlined above, the variant was classified as likely benign.

Athena Diagnostics
Classification: Benign. Last evaluated: 2025-07-24. Review status: criteria provided, single submitter. Criteria: Athena Diagnostics Criteria. Collection method: clinical testing. Allele origin: unknown.
Comment: The frequency of this variant in the general population is higher than would generally be expected for pathogenic variants in this gene.

Labcorp Genetics (formerly Invitae), Labcorp
Classification: Likely benign. Last evaluated: 2024-02-24. Review status: criteria provided, single submitter. Criteria: Invitae Variant Classification Sherloc (09022015). Collection method: clinical testing. Allele origin: germline.

ARUP Laboratories, Molecular Genetics and Genomics, ARUP Laboratories
Classification: Likely benign. Last evaluated: 2024-02-05. Review status: criteria provided, single submitter. Criteria: ARUP Molecular Germline Variant Investigation Process 2024. Collection method: clinical testing. Allele origin: germline.

Literature cited by the submitters: PubMed 25604251 (cited by Women's Health and Genetics/Laboratory Corporation of America, LabCorp and Athena Diagnostics); PubMed 26889213 (cited by Athena Diagnostics).

NM_000435.3(NOTCH3):c.536G>T (p.Gly179Val)

Gene: NOTCH3 (notch receptor 3; minus strand). Cytogenetic location: 19p13.12.
Variant type: single nucleotide variant.
Coding change: c.536G>T on transcript NM_000435.3 (MANE Select); coding-DNA position 536, G replaced by T.
Protein change: p.Gly179Val; replaces glycine 179 with valine.
Molecular consequence: missense variant.
Genome position (GRCh38, 1-based): chr19:15,192,103, C>A on the plus strand (G>T on the coding strand, the complement: NOTCH3 is on the minus strand). VCF-style: chr19-15192103-C-A. GRCh37 (hg19) VCF-style: chr19-15302914-C-A.
Other names: short protein forms G179V.
Identifiers: ClinVar variation 1256527 (VCV001256527.12), dbSNP rs142778401, ClinGen allele CA9263863.
Genomic context (GRCh38, chr19:15,192,103, plus strand): 5'-ACCGCGGGGTTCTCACATAGTGGCCCTGTGTAGCCAGCTGGACACTGGCAGCGGAAGGAG[C>A]CAGGTGTGTTGAGGCAGGTGCCACCATGGCGGCAGGGCTCACCCACCCGGCACTCATCCA-3'
Protein context (NP_000426.2, residues 169-189): RHGGTCLNTP[Gly179Val]SFRCQCPAGY